The following is an entry in ClinVar:

NM_032043.3(BRIP1):c.3717C>T (p.Ser1239=)

Gene: BRIP1 (BRCA1 interacting DNA helicase 1; minus strand). Cytogenetic location: 17q23.2.
Variant type: single nucleotide variant.
Coding change: c.3717C>T on transcript NM_032043.3 (MANE Select); coding-DNA position 3717, C replaced by T.
Protein change: p.Ser1239=; no amino-acid change (serine 1239 retained).
Molecular consequence: synonymous variant.
Genome position (GRCh38, 1-based): chr17:61,683,329, G>A on the plus strand (C>T on the coding strand, the complement: BRIP1 is on the minus strand). VCF-style: chr17-61683329-G-A. GRCh37 (hg19) VCF-style: chr17-59760690-G-A.
Identifiers: ClinVar variation 232701 (VCV000232701.23), dbSNP rs758809865, ClinGen allele CA8690336.

ClinVar aggregate classification (germline): Benign/Likely benign. Review status: criteria provided, multiple submitters, no conflicts (2 of 4 stars). 7 submissions from 7 submitters: Benign (1); Likely benign (5). 1 of the submissions does not count toward it. Last evaluated 2025-10-18.

Conditions:
Hereditary cancer-predisposing syndrome. Also called: Hereditary Cancer Syndrome; Neoplastic Syndromes, Hereditary; Tumor predisposition; Hereditary neoplastic syndrome. Identifiers: Orphanet 140162, MedGen C0027672, MeSH D009386, MONDO:0015356.
Fanconi anemia complementation group J. Also called: BRIP1-Related Fanconi Anemia. Identifiers: Orphanet 84, MedGen C1836860, MONDO:0012187, OMIM 609054.
Familial cancer of breast. Also called: Hereditary breast cancer; hereditary breast carcinoma; BREAST CANCER, FAMILIAL. Identifiers: Orphanet 227535, MedGen C0346153, MONDO:0016419, OMIM 114480. Disease mechanism: loss of function.

Allele frequency attached by ClinVar (database versions not stated): ExAC 0.00001; gnomAD 0.00001; gnomAD exomes 0.00002 and 0.00007.
gnomAD v4.1: 100 of 1,609,874 alleles (0.0062%); highest among the groups gnomAD compares: East Asian, 0.011%; no homozygotes.

Submissions (7):

Labcorp Genetics (formerly Invitae), Labcorp
Classification: Likely benign for Familial cancer of breast; Fanconi anemia complementation group J. Last evaluated: 2025-10-18. Review status: criteria provided, single submitter. Criteria: Invitae Variant Classification Sherloc (09022015). Collection method: clinical testing. Allele origin: germline.

Myriad Genetics, Inc.
Classification: Benign for Familial cancer of breast. Last evaluated: 2024-09-10. Review status: criteria provided, single submitter. Criteria: Myriad Autosomal Dominant, Autosomal Recessive and X-Linked Classification Criteria (2023). Collection method: clinical testing. Allele origin: unknown.
Comment: This variant is considered benign. This variant is a silent/synonymous amino acid change and it is not expected to impact splicing.

Quest Diagnostics Nichols Institute San Juan Capistrano
Classification: Likely benign. Last evaluated: 2018-02-14. Review status: criteria provided, single submitter. Criteria: Quest Diagnostics criteria. Collection method: clinical testing. Allele origin: germline.

GeneDx
Classification: Likely benign. Last evaluated: 2017-02-08. Review status: criteria provided, single submitter. Criteria: GeneDx Variant Classification (06012015). Collection method: clinical testing. Allele origin: germline. Affected: yes.
Comment: This variant is considered likely benign or benign based on one or more of the following criteria: it is a conservative change, it occurs at a poorly conserved position in the protein, it is predicted to be benign by multiple in silico algorithms, and/or has population frequency not consistent with disease.

Color Diagnostics, LLC DBA Color Health
Classification: Likely benign for Hereditary cancer-predisposing syndrome. Last evaluated: 2016-09-19. Review status: criteria provided, single submitter. Criteria: ACMG Guidelines, 2015. Collection method: clinical testing. Allele origin: germline.

Ambry Genetics
Classification: Likely benign for Hereditary cancer-predisposing syndrome. Last evaluated: 2015-07-01. Review status: criteria provided, single submitter. Criteria: Ambry Variant Classification Scheme 2023. Collection method: clinical testing. Allele origin: germline.

Leiden Open Variation Database
Classification: Benign. Last evaluated: 2019-08-13. Review status: no assertion criteria provided. Collection method: curation. Allele origin: germline. Affected: yes. Not counted in ClinVar's aggregate classification.
Comment: Curator: Arleen D. Auerbach. Submitter to LOVD: Yukihide Momozawa.

Literature cited by the submitters: PubMed 31214711 (cited by Leiden Open Variation Database).